The following is an entry in ClinVar:

NM_004370.6(COL12A1):c.2948_2950del (p.Glu983del)

Gene: COL12A1 (collagen type XII alpha 1 chain; minus strand). Cytogenetic location: 6q13.
Variant type: Deletion.
Coding change: c.2948_2950del on transcript NM_004370.6 (MANE Select); coding-DNA positions 2948 to 2950, 3 bases deleted (AAG; older notation c.2948_2950delAAG).
Protein change: p.Glu983del; deletes glutamic acid 983.
Molecular consequence: inframe deletion. On other transcripts: intron variant (1).
Genome position (GRCh38, 1-based): chr6:75,165,540-75,165,542, CTT deleted on the plus strand (AAG on the coding strand, the reverse complement: COL12A1 is on the minus strand); deleting any 3 consecutive bases within chr6:75,165,540-75,165,544 gives the same sequence; the c. name uses the placement nearest the transcript's 3' end. VCF-style (leftmost placement, unchanged base first): chr6-75165539-CCTT-C. GRCh37 (hg19) VCF-style: chr6-75875255-CCTT-C.
Other names: c.74-13060_74-13058del (NM_080645.3); short protein forms E983del.
Identifiers: ClinVar variation 949312 (VCV000949312.10), dbSNP rs1768250668, ClinGen allele CA1139659692.

ClinVar aggregate classification (germline): Uncertain significance (1 of 4 stars; one submission).

Conditions:
Ullrich congenital muscular dystrophy 2 (UCMD2). Identifiers: Orphanet 75840, MedGen C4225314, MONDO:0014654, OMIM 616470.
Bethlem myopathy 2 (BTHLM2). Identifiers: Orphanet 536516, Orphanet 610, MedGen C4225313, MONDO:0034022, OMIM 616471.

Submission:

Labcorp Genetics (formerly Invitae), Labcorp
Classification: Uncertain significance for Bethlem myopathy 2; Ullrich congenital muscular dystrophy 2. Last evaluated: 2025-12-08. Review status: criteria provided, single submitter. Criteria: Invitae Variant Classification Sherloc (09022015). Collection method: clinical testing. Allele origin: germline.
Comment: This variant, c.2948_2950del, results in the deletion of 1 amino acid(s) of the COL12A1 protein (p.Glu983del), but otherwise preserves the integrity of the reading frame. This variant is not present in population databases (gnomAD no frequency). This variant has not been reported in the literature in individuals affected with COL12A1-related conditions. ClinVar contains an entry for this variant (Variation ID: 949312). Experimental studies and prediction algorithms are not available or were not evaluated, and the functional significance of this variant is currently unknown. In summary, the available evidence is currently insufficient to determine the role of this variant in disease. Therefore, it has been classified as a Variant of Uncertain Significance.